The following is an entry in ClinVar:

ClinVar aggregate classification (germline): Likely benign (1 of 4 stars; one submission).

Submission:

Women's Health and Genetics/Laboratory Corporation of America, LabCorp
Classification: Likely benign. Last evaluated: 2026-06-15. Review status: criteria provided, single submitter. Criteria: LabCorp Variant Classification Summary - May 2015. Collection method: clinical testing. Allele origin: germline.
Comment: Variant summary: CFHR3 c.786A>C results in a synonymous change. Consensus agreement among computation tools predict no significant impact on normal splicing. However, these predictions have yet to be confirmed by functional studies. The variant was absent in 184004 control chromosomes. The available data on variant occurrences in the general population are insufficient to allow any conclusion about variant significance. To our knowledge, no occurrence of c.786A>C in individuals affected with CFHR3-related conditions and no experimental evidence demonstrating its impact on protein function have been reported. No submitters have cited clinical-significance assessments for this variant to ClinVar. Based on the evidence outlined above, the variant was classified as likely benign.

NM_021023.6(CFHR3):c.786A>C (p.Pro262=)

Gene: CFHR3 (complement factor H related 3; plus strand). Cytogenetic location: 1q31.3.
Variant type: single nucleotide variant.
Coding change: c.786A>C on transcript NM_021023.6 (MANE Select); coding-DNA position 786, A replaced by C.
Protein change: p.Pro262=; no amino-acid change (proline 262 retained).
Molecular consequence: synonymous variant.
Genome position (GRCh38, 1-based): chr1:196,790,217, A>C. VCF-style: chr1-196790217-A-C. GRCh37 (hg19) VCF-style: chr1-196759347-A-C.
Other names: c.603A>C, p.Pro201= (NM_001166624.2).
Identifiers: ClinVar variation 4887233 (VCV004887233.1).